The following is an entry in ClinVar:

NM_000092.5(COL4A4):c.2817_2819delinsTATAAGAGACA (p.Met940fs)

Gene: COL4A4 (collagen type IV alpha 4 chain; minus strand). Cytogenetic location: 2q36.3.
Variant type: Indel.
Coding change: c.2817_2819delinsTATAAGAGACA on transcript NM_000092.5 (MANE Select); coding-DNA positions 2817 to 2819, CAT replaced by TATAAGAGACA.
Protein change: p.Met940fs; shifts the reading frame from methionine 940.
Molecular consequence: frameshift variant.
Genome position (GRCh38, 1-based): chr2:227,054,635-227,054,637, ATG replaced by TGTCTCTTATA on the plus strand (CAT replaced by TATAAGAGACA on the coding strand, the reverse complement: COL4A4 is on the minus strand). VCF-style: chr2-227054635-ATG-TGTCTCTTATA. GRCh37 (hg19) VCF-style: chr2-227919351-ATG-TGTCTCTTATA.
Other names: short protein forms M940fs.
Identifiers: ClinVar variation 1724537 (VCV001724537.2), dbSNP rs2474078466, ClinGen allele CA2580065865.

ClinVar aggregate classification (germline): Likely pathogenic (1 of 4 stars; one submission).

Conditions:
Autosomal recessive Alport syndrome (ATS2). Also called: COL4A3-Related Nephropathy; COL4A4 Alport Syndrome and Thin Basement Membrane Nephropathy; ALPORT SYNDROME 2, AUTOSOMAL RECESSIVE; Alport syndrome type 2. Identifiers: Orphanet 63, Orphanet 88919, MedGen C4746745, MONDO:0008762, OMIM 203780.

Submission:

Myriad Genetics, Inc.
Classification: Likely pathogenic for Autosomal recessive Alport syndrome. Last evaluated: 2022-02-19. Review status: criteria provided, single submitter. Criteria: Myriad Women's Health Autosomal Recessive and X-Linked Classification Criteria (2021). Collection method: clinical testing. Allele origin: unknown.
Comment: NM_000092.4(COL4A4):c.2817_2819del3ins11(M940Ifs*13) is expected to be pathogenic in the context of COL4A4-related Alport syndrome. This variant is predicted to lead to an abnormal or absent protein product due to the creation of a premature termination codon in COL4A4, a gene where loss-of-function variants are known to be pathogenic. Please note: this variant was assessed in the context of healthy population screening.